The following is an entry in ClinVar:

NM_018896.5(CACNA1G):c.3274T>C (p.Ser1092Pro)

Gene: CACNA1G (calcium voltage-gated channel subunit alpha1 G; plus strand). Cytogenetic location: 17q21.33.
Variant type: single nucleotide variant.
Coding change: c.3274T>C on transcript NM_018896.5 (MANE Select); coding-DNA position 3274, T replaced by C.
Protein change: p.Ser1092Pro; replaces serine 1092 with proline.
Molecular consequence: missense variant. On other transcripts: non-coding transcript variant (5).
Genome position (GRCh38, 1-based): chr17:50,599,443, T>C. VCF-style: chr17-50599443-T-C. GRCh37 (hg19) VCF-style: chr17-48676804-T-C.
Other names: c.3274T>C, p.Ser1092Pro (NM_001256324.2, NM_001256325.2, NM_001256326.2 and 16 more transcripts); c.3205T>C, p.Ser1069Pro (NM_001256332.2, NM_198376.3, NM_198379.3 and 5 more transcripts); short protein forms S1069P, S1092P.
Identifiers: ClinVar variation 1723467 (VCV001723467.3), dbSNP rs2545420333, ClinGen allele CA400252845.

ClinVar aggregate classification (germline): Uncertain significance (1 of 4 stars; one submission).

Allele frequency attached by ClinVar (database versions not stated): gnomAD exomes below 0.00001.
gnomAD v4.1: 1 of 1,556,248 alleles (0.000064%); highest among the groups gnomAD compares: Middle Eastern, 0.022%; no homozygotes.

Submission:

GeneDx
Classification: Uncertain significance. Last evaluated: 2023-04-27. Review status: criteria provided, single submitter. Criteria: GeneDx Variant Classification Process June 2021. Collection method: clinical testing. Allele origin: germline. Affected: yes.
Comment: Not observed at significant frequency in large population cohorts (gnomAD); In silico analysis supports that this missense variant has a deleterious effect on protein structure/function; Has not been previously published as pathogenic or benign to our knowledge